The following is an entry in ClinVar:

NM_032447.5(FBN3):c.2582G>A (p.Arg861Gln)

Gene: FBN3 (fibrillin 3; minus strand). Cytogenetic location: 19p13.2.
Variant type: single nucleotide variant.
Coding change: c.2582G>A on transcript NM_032447.5 (MANE Select); coding-DNA position 2582, G replaced by A.
Protein change: p.Arg861Gln; replaces arginine 861 with glutamine.
Molecular consequence: missense variant.
Genome position (GRCh38, 1-based): chr19:8,126,320, C>T on the plus strand (G>A on the coding strand, the complement: FBN3 is on the minus strand). VCF-style: chr19-8126320-C-T. GRCh37 (hg19) VCF-style: chr19-8191204-C-T.
Other names: c.2582G>A, p.Arg861Gln (NM_001321431.2); short protein forms R861Q.
Identifiers: ClinVar variation 2888227 (VCV002888227.3), dbSNP rs371313814, ClinGen allele CA9152810.

ClinVar aggregate classification (germline): Uncertain significance (1 of 4 stars; one submission).

Allele frequency attached by ClinVar (database versions not stated): ExAC 0.00005; gnomAD 0.00006; 1000 Genomes Project 30x 0.00016; ESP Exome Variant Server 0.00015; 1000 Genomes Project 0.00020.
gnomAD v4.1: 22 of 1,590,022 alleles (0.0014%); highest among the groups gnomAD compares: African/African-American, 0.015%; no homozygotes.

Submission:

Labcorp Genetics (formerly Invitae), Labcorp
Classification: Uncertain significance. Last evaluated: 2025-08-15. Review status: criteria provided, single submitter. Criteria: Invitae Variant Classification Sherloc (09022015). Collection method: clinical testing. Allele origin: germline.
Comment: This sequence change replaces arginine, which is basic and polar, with glutamine, which is neutral and polar, at codon 861 of the FBN3 protein (p.Arg861Gln). The frequency data for this variant in the population databases is considered unreliable, as metrics indicate poor data quality at this position in the gnomAD database. This variant has not been reported in the literature in individuals affected with FBN3-related conditions. ClinVar contains an entry for this variant (Variation ID: 2888227). An algorithm developed to predict the effect of missense changes on protein structure and function outputs the following: PolyPhen-2: "Benign". The glutamine amino acid residue is found in multiple mammalian species, which suggests that this missense change does not adversely affect protein function. In summary, the available evidence is currently insufficient to determine the role of this variant in disease. Therefore, it has been classified as a Variant of Uncertain Significance.